The following is an entry in ClinVar:

NM_001134363.3(RBM20):c.3203C>T (p.Thr1068Ile)

Gene: RBM20 (RNA binding motif protein 20; plus strand). Cytogenetic location: 10q25.2.
Variant type: single nucleotide variant.
Coding change: c.3203C>T on transcript NM_001134363.3 (MANE Select); coding-DNA position 3203, C replaced by T.
Protein change: p.Thr1068Ile; replaces threonine 1068 with isoleucine.
Molecular consequence: missense variant.
Genome position (GRCh38, 1-based): chr10:110,821,822, C>T. VCF-style: chr10-110821822-C-T. GRCh37 (hg19) VCF-style: chr10-112581580-C-T.
Other names: short protein forms T1068I.
Identifiers: ClinVar variation 4826314 (VCV004826314.1).

ClinVar aggregate classification (germline): Uncertain significance (1 of 4 stars; one submission).

Conditions:
Cardiovascular phenotype. Identifiers: MedGen CN230736.

gnomAD v4.1: 2 of 1,551,710 alleles (0.00013%); highest among the groups gnomAD compares: Non-Finnish European, 0.00017%; no homozygotes.

Submission:

Ambry Genetics
Classification: Uncertain significance for Cardiovascular phenotype. Last evaluated: 2026-03-12. Review status: criteria provided, single submitter. Criteria: Ambry Variant Classification Scheme 2023. Collection method: clinical testing. Allele origin: germline.
Comment: The p.T1068I variant (also known as c.3203C>T), located in coding exon 11 of the RBM20 gene, results from a C to T substitution at nucleotide position 3203. The threonine at codon 1068 is replaced by isoleucine, an amino acid with similar properties. This amino acid position is conserved. In addition, this alteration is predicted to be tolerated by in silico analysis. Based on the available evidence, the clinical significance of this variant remains unclear.